The following is an entry in ClinVar:

NM_001029896.2(WDR45):c.226G>T (p.Glu76Ter)

Genes: WDR45 (WD repeat domain 45; minus strand), LOC126863256 (BRD4-independent group 4 enhancer GRCh37_chrX:48934848-48936047; plus strand). Cytogenetic location: Xp11.23.
Variant type: single nucleotide variant.
Coding change: c.226G>T on transcript NM_001029896.2 (MANE Select); coding-DNA position 226, G replaced by T.
Protein change: p.Glu76Ter; replaces glutamic acid 76 with a stop codon.
Molecular consequence: nonsense.
Genome position (GRCh38, 1-based): chrX:49,077,652, C>A on the plus strand (G>T on the coding strand, the complement: WDR45 is on the minus strand). VCF-style: chrX-49077652-C-A. GRCh37 (hg19) VCF-style: chrX-48935311-C-A.
Other names: c.226G>T, p.Glu76Ter (NM_007075.4); short protein forms E76*.
Identifiers: ClinVar variation 1073994 (VCV001073994.7), dbSNP rs2147817379, ClinGen allele CA412949042.
Genomic context (GRCh38, chrX:49,077,652, plus strand): 5'-AGGCCAGGAATCCGAGAAATCTGGGCCAAAGGGCAGGATGAGGGCACTTACCTGAGATCT[C>A]TGAGAACTTGGGACTACTACCACCGCCCACCAAGGCCAGAAGGTTGGAGCGGTGCAGCAT-3'

ClinVar aggregate classification (germline): Pathogenic (1 of 4 stars; one submission).

Conditions:
Neurodegeneration with brain iron accumulation 5 (NBIA5). Also called: Beta-propeller protein-associated neurodegeneration; STATIC ENCEPHALOPATHY OF CHILDHOOD WITH NEURODEGENERATION IN ADULTHOOD. Identifiers: Orphanet 329284, MedGen C3550973, MONDO:0010476, OMIM 300894.

Submission:

Labcorp Genetics (formerly Invitae), Labcorp
Classification: Pathogenic for Neurodegeneration with brain iron accumulation 5. Last evaluated: 2020-01-21. Review status: criteria provided, single submitter. Criteria: Invitae Variant Classification Sherloc (09022015). Collection method: clinical testing. Allele origin: germline.
Comment: This variant is not present in population databases (ExAC no frequency). For these reasons, this variant has been classified as Pathogenic. Loss-of-function variants in WDR45 are known to be pathogenic (PMID: 23176820, 24368176, 25744623). This variant has not been reported in the literature in individuals with WDR45-related disease. This sequence change creates a premature translational stop signal (p.Glu76*) in the WDR45 gene. It is expected to result in an absent or disrupted protein product.

Literature cited by the submitters: PubMed 23176820; PubMed 24368176; PubMed 25744623.